The following is an entry in ClinVar:

ClinVar aggregate classification (germline): Uncertain significance (1 of 4 stars; one submission).

Submission:

Labcorp Genetics (formerly Invitae), Labcorp
Classification: Uncertain significance. Last evaluated: 2025-04-14. Review status: criteria provided, single submitter. Criteria: Invitae Variant Classification Sherloc (09022015). Collection method: clinical testing. Allele origin: germline.
Comment: This variant, c.37_48del, results in the deletion of 4 amino acid(s) of the KLHL9 protein (p.Ser13_Leu16del), but otherwise preserves the integrity of the reading frame. This variant is present in population databases (rs779324007, gnomAD 0.05%). This variant has not been reported in the literature in individuals affected with KLHL9-related conditions. ClinVar contains an entry for this variant (Variation ID: 3635586). Experimental studies and prediction algorithms are not available or were not evaluated, and the functional significance of this variant is currently unknown. In summary, the available evidence is currently insufficient to determine the role of this variant in disease. Therefore, it has been classified as a Variant of Uncertain Significance.

NM_018847.4(KLHL9):c.37_48del (p.Ser13_Leu16del)

Gene: KLHL9 (kelch like family member 9; minus strand). Cytogenetic location: 9p21.3.
Variant type: Deletion.
Coding change: c.37_48del on transcript NM_018847.4 (MANE Select); coding-DNA positions 37 to 48, 12 bases deleted (TCTGCCCATTTG).
Protein change: p.Ser13_Leu16del.
Genome position (GRCh38, 1-based): chr9:21,334,812-21,334,823, CAAATGGGCAGA deleted on the plus strand (TCTGCCCATTTG on the coding strand, the reverse complement: KLHL9 is on the minus strand). VCF-style (leftmost placement, unchanged base first): chr9-21334811-GCAAATGGGCAGA-G. GRCh37 (hg19) VCF-style: chr9-21334810-GCAAATGGGCAGA-G.
Identifiers: ClinVar variation 3635586 (VCV003635586.2).